The following is an entry in ClinVar:

ClinVar aggregate classification (germline): Uncertain significance (1 of 4 stars; one submission).

Conditions:
Hereditary cancer-predisposing syndrome. Also called: Neoplastic Syndromes, Hereditary; Tumor predisposition; Hereditary Cancer Syndrome; Hereditary neoplastic syndrome. Identifiers: Orphanet 140162, MedGen C0027672, MeSH D009386, MONDO:0015356.

Submission:

Ambry Genetics
Classification: Uncertain significance for Hereditary cancer-predisposing syndrome. Last evaluated: 2026-06-14. Review status: criteria provided, single submitter. Criteria: Ambry Variant Classification Scheme 2023. Collection method: clinical testing. Allele origin: germline.
Comment: The p.A161T variant (also known as c.481G>A), located in coding exon 3 of the SMARCA4 gene, results from a G to A substitution at nucleotide position 481. The alanine at codon 161 is replaced by threonine, an amino acid with similar properties. This amino acid position is conserved. In addition, this alteration is predicted to be tolerated by in silico analysis. Based on the available evidence, the clinical significance of this variant remains unclear.

NM_003072.5(SMARCA4):c.481G>A (p.Ala161Thr)

Gene: SMARCA4 (SWI/SNF related BAF chromatin remodeling complex subunit ATPase 4; plus strand). Cytogenetic location: 19p13.2.
Variant type: single nucleotide variant.
Coding change: c.481G>A on transcript NM_003072.5 (MANE Select); coding-DNA position 481, G replaced by A.
Protein change: p.Ala161Thr; replaces alanine 161 with threonine.
Molecular consequence: missense variant. On other transcripts: non-coding transcript variant (1).
Genome position (GRCh38, 1-based): chr19:10,986,314, G>A. VCF-style: chr19-10986314-G-A. GRCh37 (hg19) VCF-style: chr19-11096990-G-A.
Other names: c.481G>A, p.Ala161Thr (NM_001128844.3, NM_001128845.2, NM_001128846.2 and 6 more transcripts); short protein forms A161T.
Identifiers: ClinVar variation 4864807 (VCV004864807.1).